The following is an entry in ClinVar:

NM_024675.4(PALB2):c.396C>T (p.Val132=)

Gene: PALB2 (partner and localizer of BRCA2; minus strand). Cytogenetic location: 16p12.2.
Variant type: single nucleotide variant.
Coding change: c.396C>T on transcript NM_024675.4 (MANE Select); coding-DNA position 396, C replaced by T.
Protein change: p.Val132=; no amino-acid change (valine 132 retained).
Molecular consequence: synonymous variant. On other transcripts: 5 prime UTR variant (8), intron variant (3).
Genome position (GRCh38, 1-based): chr16:23,636,150, G>A on the plus strand (C>T on the coding strand, the complement: PALB2 is on the minus strand). VCF-style: chr16-23636150-G-A. GRCh37 (hg19) VCF-style: chr16-23647471-G-A.
Other names: c.336C>T, p.Val112= (NM_001407296.1); c.396C>T, p.Val132= (NM_001407297.1, NM_001407298.1, NM_001407299.1 and 3 more transcripts); c.-490C>T (NM_001407304.1, NM_001407305.1, NM_001407306.1 and 5 more transcripts); c.48+4960C>T (NM_001407314.1); c.-105+4960C>T (NM_001407313.1, NM_001407312.1).
Identifiers: ClinVar variation 3896439 (VCV003896439.2).

ClinVar aggregate classification (germline): Likely benign (1 of 4 stars; one submission).

gnomAD v4.1: 1 of 1,612,608 alleles (0.000062%); highest among the groups gnomAD compares: South Asian, 0.0011%; no homozygotes.

Submission:

Women's Health and Genetics/Laboratory Corporation of America, LabCorp
Classification: Likely benign. Last evaluated: 2025-04-07. Review status: criteria provided, single submitter. Criteria: LabCorp Variant Classification Summary - May 2015. Collection method: clinical testing. Allele origin: germline.
Comment: Variant summary: PALB2 c.396C>T alters a non-conserved nucleotide resulting in a synonymous change. Consensus agreement among computation tools predict no significant impact on normal splicing. However, these predictions have yet to be confirmed by functional studies. The variant allele was found at a frequency of 4e-06 in 250634 control chromosomes (gnomAD). The available data on variant occurrences in the general population are insufficient to allow any conclusion about variant significance. To our knowledge, no occurrence of c.396C>T in individuals affected with Breast Cancer and no experimental evidence demonstrating its impact on protein function have been reported. No submitters have cited clinical-significance assessments for this variant to ClinVar. Based on the evidence outlined above, the variant was classified as likely benign.